The following is an entry in ClinVar:

ClinVar aggregate classification (germline): Uncertain significance. Review status: criteria provided, multiple submitters, no conflicts (2 of 4 stars). 3 submissions from 3 submitters: Uncertain significance (2). 1 of the submissions does not count toward it. Last evaluated 2018-01-12.

Conditions:
Acroerythrokeratoderma (MDM). Also called: PALMOPLANTAR KERATODERMA, NORRBOTTEN RECESSIVE TYPE; PALMOPLANTAR KERATODERMA, GAMBORG NIELSEN TYPE; Meleda disease; Mal de Meleda; KERATOSIS PALMOPLANTARIS TRANSGREDIENS OF SIEMENS. Identifiers: Orphanet 87503, MedGen C0025221, MONDO:0009552, OMIM 248300.
SLURP1-related disorder. Also called: SLURP1-related condition.

Allele frequency attached by ClinVar (database versions not stated): TOPMed 0.00057; gnomAD 0.00061 and 0.00067; ESP Exome Variant Server 0.00062; gnomAD exomes 0.00065 and 0.00073; ExAC 0.00070.
gnomAD v4.1: 1,053 of 1,612,738 alleles (0.065%); highest among the groups gnomAD compares: Non-Finnish European, 0.066%; 2 homozygotes.

Submissions (3):

Illumina Laboratory Services, Illumina
Classification: Uncertain significance for Acroerythrokeratoderma. Last evaluated: 2018-01-12. Review status: criteria provided, single submitter. Criteria: ICSL Variant Classification Criteria 13 December 2019. Collection method: clinical testing. Allele origin: germline.

Breakthrough Genomics
Classification: Uncertain significance. Review status: criteria provided, single submitter. Criteria: ACMG Guidelines, 2015. Collection method: not provided. Allele origin: germline. Inheritance: Autosomal recessive inheritance. Affected: yes.

PreventionGenetics, part of Exact Sciences
Classification: Benign for SLURP1-related condition. Last evaluated: 2019-12-09. Review status: no assertion criteria provided. Collection method: clinical testing. Allele origin: germline. Not counted in ClinVar's aggregate classification.
Comment: This variant is classified as benign based on ACMG/AMP sequence variant interpretation guidelines (Richards et al. 2015 PMID: 25741868, with internal and published modifications).

NM_020427.3(SLURP1):c.-7C>T

Gene: SLURP1 (secreted LY6/PLAUR domain containing 1; minus strand). Cytogenetic location: 8q24.3.
Variant type: single nucleotide variant.
Coding change: c.-7C>T on transcript NM_020427.3 (MANE Select); 7 bases upstream of the start codon, C replaced by T.
Molecular consequence: 5 prime UTR variant.
Genome position (GRCh38, 1-based): chr8:142,742,392, G>A on the plus strand (C>T on the coding strand, the complement: SLURP1 is on the minus strand). VCF-style: chr8-142742392-G-A. GRCh37 (hg19) VCF-style: chr8-143823810-G-A.
Identifiers: ClinVar variation 362102 (VCV000362102.8), dbSNP rs201610070, ClinGen allele CA4904131.